The following is an entry in ClinVar:

NM_001110556.2(FLNA):c.5686+13T>C

Gene: FLNA (filamin A; minus strand). Cytogenetic location: Xq28.
Variant type: single nucleotide variant.
Coding change: c.5686+13T>C on transcript NM_001110556.2 (MANE Select); 13 bases into the intron after coding-DNA position 5686, T replaced by C.
Molecular consequence: intron variant.
Genome position (GRCh38, 1-based): chrX:154,353,902, A>G on the plus strand (T>C on the coding strand, the complement: FLNA is on the minus strand). VCF-style: chrX-154353902-A-G. GRCh37 (hg19) VCF-style: chrX-153582270-A-G.
Other names: c.5662+13T>C (NM_001456.4).
Identifiers: ClinVar variation 380691 (VCV000380691.10), dbSNP rs1057520884, ClinGen allele CA16608773.
Genomic context (GRCh38, chrX:154,353,902, plus strand): 5'-TCCTGAGTCCAGCCCTTACCCCGGTGAGGGCATCCCGGGCACAGAGCAGGTCAAGACCAG[A>G]GCTATTGCTCACCCTCTCCTGCATCCTTGGTGTTGACGGTGAAGGTGGCAGGCTTGTTCA-3'

ClinVar aggregate classification (germline): Likely benign. Review status: criteria provided, multiple submitters, no conflicts (2 of 4 stars). 3 submissions from 3 submitters: Likely benign (3). Last evaluated 2025-04-27.

Conditions:
Frontometaphyseal dysplasia (FMD1). Identifiers: Orphanet 1826, MedGen C0265293, MONDO:0015942.
Melnick-Needles syndrome (MNS). Also called: MELNICK-NEEDLES OSTEODYSPLASTY; OSTEODYSPLASTY OF MELNICK AND NEEDLES; Melnick-Needles Syndrome (FLNA-MNS). Identifiers: Orphanet 2484, MedGen C0025237, MONDO:0010650, OMIM 309350.
Oto-palato-digital syndrome, type II (OPD2). Also called: FACIOPALATOOSSEOUS SYNDROME; Otopalatodigital Syndrome, Type II; OPD II SYNDROME; Otopalatodigital Syndrome Type 2 (FLNA-OPD2). Identifiers: Orphanet 669, Orphanet 90652, MedGen C1844696, MONDO:0010571, OMIM 304120.
Heterotopia, periventricular, X-linked dominant (PVNH1). Also called: PERIVENTRICULAR NODULAR HETEROTOPIA 1; PERIVENTRICULAR NODULAR HETEROTOPIA 4; HETEROTOPIA, PERIVENTRICULAR, 1; X-linked periventricular heterotopia. Identifiers: Orphanet 2149, Orphanet 82004, MedGen C1848213, MONDO:0010233, OMIM 300049.

Allele frequency attached by ClinVar (database versions not stated): gnomAD 0.00001 and 0.00002; gnomAD exomes 0.00001.
gnomAD v4.1: 15 of 1,210,390 alleles (0.0012%); highest among the groups gnomAD compares: Middle Eastern, 0.023%; no homozygotes.

Submissions (3):

Labcorp Genetics (formerly Invitae), Labcorp
Classification: Likely benign for Oto-palato-digital syndrome, type II; Heterotopia, periventricular, X-linked dominant; Frontometaphyseal dysplasia; Melnick-Needles syndrome. Last evaluated: 2025-04-27. Review status: criteria provided, single submitter. Criteria: Invitae Variant Classification Sherloc (09022015). Collection method: clinical testing. Allele origin: germline.

Blueprint Genetics
Classification: Likely benign. Last evaluated: 2023-03-08. Review status: criteria provided, single submitter. Criteria: ACMG Guidelines, 2015. Collection method: clinical testing. Allele origin: germline.

GeneDx
Classification: Likely benign. Last evaluated: 2015-11-03. Review status: criteria provided, single submitter. Criteria: GeneDx Variant Classification (06012015). Collection method: clinical testing. Allele origin: germline. Affected: yes.
Comment: This variant is considered likely benign or benign based on one or more of the following criteria: it is a conservative change, it occurs at a poorly conserved position in the protein, it is predicted to be benign by multiple in silico algorithms, and/or has population frequency not consistent with disease.